The following is an entry in ClinVar:

ClinVar aggregate classification (germline): Uncertain significance (0 of 4 stars; one submission).

Conditions:
IKBKG-related disorder. Also called: IKBKG-related condition.

gnomAD v4.1: 24 of 1,205,665 alleles (0.002%); highest among the groups gnomAD compares: Non-Finnish European, 0.0027%; no homozygotes.

Submission:

PreventionGenetics, part of Exact Sciences
Classification: Uncertain significance for IKBKG-related condition. Last evaluated: 2024-09-16. Review status: no assertion criteria provided. Collection method: clinical testing. Allele origin: germline.
Comment: The IKBKG c.128G>C variant is predicted to result in the amino acid substitution p.Gly43Ala. To our knowledge, this variant has not been reported in the literature. This variant is reported in 0.0026% of alleles in individuals of European (Non-Finnish) descent in gnomAD. At this time, the clinical significance of this variant is uncertain due to the absence of conclusive functional and genetic evidence.

NM_001099856.6(IKBKG):c.128G>C (p.Gly43Ala)

Genes: G6PD (glucose-6-phosphate dehydrogenase; minus strand), IKBKG (inhibitor of nuclear factor kappa B kinase regulatory subunit gamma; plus strand), LOC108281126 (G6PD and IKBKG intron CAGE-defined low expression enhancer; plus strand). Cytogenetic location: Xq28.
Variant type: single nucleotide variant.
Coding change: c.128G>C on transcript NM_001099856.6; coding-DNA position 128, G replaced by C.
Protein change: p.Gly43Ala; replaces glycine 43 with alanine.
Molecular consequence: missense variant. On other transcripts: intron variant (6).
Genome position (GRCh38, 1-based): chrX:154,542,391, G>C. VCF-style: chrX-154542391-G-C. GRCh37 (hg19) VCF-style: chrX-153770606-G-C.
Other names: c.210+3645C>G (NM_000402.4); c.120+3645C>G (NM_001042351.3, NM_001360016.2); c.-16+1000G>C (NM_001377312.1, NM_001377313.1); c.-16+4G>C (NM_001321396.3); short protein forms G43A.
Identifiers: ClinVar variation 3355640 (VCV003355640.1).
Genomic context (GRCh38, chrX:154,542,391, plus strand): 5'-CCAGTCTCTTCCCCTCACTCCCTGTGAAGCTCTCCAGCATCATCGAGGTCCCATCAGGTG[G>C]GGAAAGATGCTGTTCCAGGCGCACACTAGTCTACAAGGCCAGAGCTTTCTGGAAGGGGGC-3'